The following is an entry in ClinVar:

NM_001378183.1(PIEZO2):c.5244A>T (p.Arg1748Ser)

Gene: PIEZO2 (piezo type mechanosensitive ion channel component 2; minus strand). Cytogenetic location: 18p11.22.
Variant type: single nucleotide variant.
Coding change: c.5244A>T on transcript NM_001378183.1 (MANE Select); coding-DNA position 5244, A replaced by T.
Protein change: p.Arg1748Ser; replaces arginine 1748 with serine.
Molecular consequence: missense variant.
Genome position (GRCh38, 1-based): chr18:10,715,662, T>A on the plus strand (A>T on the coding strand, the complement: PIEZO2 is on the minus strand). VCF-style: chr18-10715662-T-A. GRCh37 (hg19) VCF-style: chr18-10715660-T-A.
Other names: c.5145A>T, p.Arg1715Ser (NM_001410871.1); c.5070A>T, p.Arg1690Ser (NM_022068.4); short protein forms R1690S, R1715S, R1748S.
Identifiers: ClinVar variation 2219016 (VCV002219016.6), dbSNP rs1003368666, ClinGen allele CA295999607.
Genomic context (GRCh38, chr18:10,715,662, plus strand): 5'-TCTTCTTAATGTGGGAAGGAGCAAAAAGAATTACACCAGCAGTGTTACCTTCTTAATTTC[T>A]CTGGTCAGCATGCATCGTTCAATTCTCAGAACTGTAGATATATCAATATGCTCCCTTGAA-3'
Protein context (NP_001365112.1, residues 1738-1758): VLRIERCMLT[Arg1748Ser]EIKKGNVPTR

ClinVar aggregate classification (germline): Uncertain significance. Review status: criteria provided, multiple submitters, no conflicts (2 of 4 stars). 2 submissions from 2 submitters: Uncertain significance (2). Last evaluated 2025-04-12.

Conditions:
Inborn genetic diseases. Identifiers: MedGen C0950123, MeSH D030342.

Allele frequency attached by ClinVar (database versions not stated): gnomAD 0.00003; TOPMed 0.00003; gnomAD exomes 0.00005.
gnomAD v4.1: 74 of 1,525,340 alleles (0.0049%); highest among the groups gnomAD compares: Non-Finnish European, 0.0062%; no homozygotes.

Submissions (2):

Ambry Genetics
Classification: Uncertain significance for Inborn genetic diseases. Last evaluated: 2025-04-12. Review status: criteria provided, single submitter. Criteria: Ambry Variant Classification Scheme 2023. Collection method: clinical testing. Allele origin: germline.

Labcorp Genetics (formerly Invitae), Labcorp
Classification: Uncertain significance. Last evaluated: 2024-01-12. Review status: criteria provided, single submitter. Criteria: Invitae Variant Classification Sherloc (09022015). Collection method: clinical testing. Allele origin: germline.
Comment: This sequence change replaces arginine, which is basic and polar, with serine, which is neutral and polar, at codon 1690 of the PIEZO2 protein (p.Arg1690Ser). This variant is present in population databases (no rsID available, gnomAD 0.007%). This variant has not been reported in the literature in individuals affected with PIEZO2-related conditions. ClinVar contains an entry for this variant (Variation ID: 2219016). Advanced modeling of protein sequence and biophysical properties (such as structural, functional, and spatial information, amino acid conservation, physicochemical variation, residue mobility, and thermodynamic stability) performed at Invitae indicates that this missense variant is not expected to disrupt PIEZO2 protein function with a negative predictive value of 80%. In summary, the available evidence is currently insufficient to determine the role of this variant in disease. Therefore, it has been classified as a Variant of Uncertain Significance.